The following is an entry in ClinVar:

NM_000642.3(AGL):c.1078C>T (p.His360Tyr)

Gene: AGL (amylo-alpha-1,6-glucosidase and 4-alpha-glucanotransferase; plus strand). Cytogenetic location: 1p21.2.
Variant type: single nucleotide variant.
Coding change: c.1078C>T on transcript NM_000642.3 (MANE Select); coding-DNA position 1078, C replaced by T.
Protein change: p.His360Tyr; replaces histidine 360 with tyrosine.
Molecular consequence: missense variant.
Genome position (GRCh38, 1-based): chr1:99,874,806, C>T. VCF-style: chr1-99874806-C-T. GRCh37 (hg19) VCF-style: chr1-100340362-C-T.
Other names: p.His360Tyr; c.1078C>T, p.His360Tyr (NM_000028.3, NM_000643.3, NM_000644.3 and 3 more transcripts); c.1030C>T, p.His344Tyr (NM_000646.3); c.874C>T, p.His292Tyr (NM_001425328.1, NM_001425329.1); c.700C>T, p.His234Tyr (NM_001425332.1); short protein forms H360Y, H344Y, H234Y, H292Y.
Identifiers: ClinVar variation 371296 (VCV000371296.66), dbSNP rs763554006, ClinGen allele CA966365.

ClinVar aggregate classification (germline): Conflicting classifications of pathogenicity. Review status: criteria provided, conflicting classifications (1 of 4 stars). 17 submissions from 17 submitters: Pathogenic (8); Likely pathogenic (7); Uncertain significance (1). 1 of the submissions does not count toward it. Last evaluated 2026-06-11.

Conditions:
Glycogen storage disease type III (GSD3). Also called: Cori disease; FORBES DISEASE. Identifiers: Orphanet 366, MedGen C0017922, MONDO:0009291, OMIM 232400.
Glycogen storage disease. Also called: glycogen storage disorder; Disorder of glycogen metabolism. Identifiers: Orphanet 79201, MedGen C0017919, MONDO:0002412.
AGL-related disorder. Also called: AGL-related condition.

Allele frequency attached by ClinVar (database versions not stated): TOPMed 0.00001; ExAC 0.00002; gnomAD exomes 0.00002; gnomAD 0.00001.
gnomAD v4.1: 15 of 1,613,354 alleles (0.00093%); highest among the groups gnomAD compares: South Asian, 0.0066%; no homozygotes.

Submissions (17):

Genetics Laboratory, Great Ormond Street Hospital NHS Foundation Trust, North Thames Genomic Laboratory Hub
Classification: Uncertain significance for Glycogen storage disease. Last evaluated: 2026-06-11. Review status: criteria provided, single submitter. Criteria: ACGS Best Practice Guidelines for Variant Classification in Rare Disease 2024 v1.2. Collection method: clinical testing. Allele origin: germline. Affected: yes.
Comment: PM2_moderate, BP4_supporting, PM3_moderate, PP4_supporting

Labcorp Genetics (formerly Invitae), Labcorp
Classification: Pathogenic for Glycogen storage disease type III. Last evaluated: 2025-12-28. Review status: criteria provided, single submitter. Criteria: Invitae Variant Classification Sherloc (09022015). Collection method: clinical testing. Allele origin: germline.
Comment: This sequence change replaces histidine, which is basic and polar, with tyrosine, which is neutral and polar, at codon 360 of the AGL protein (p.His360Tyr). This variant is present in population databases (rs763554006, gnomAD 0.006%). This missense change has been observed in individual(s) with glycogen storage disease type III (PMID: 27460348). ClinVar contains an entry for this variant (Variation ID: 371296). Invitae Evidence Modeling of protein sequence and biophysical properties (such as structural, functional, and spatial information, amino acid conservation, physicochemical variation, residue mobility, and thermodynamic stability) indicates that this missense variant is not expected to disrupt AGL protein function with a negative predictive value of 80%. For these reasons, this variant has been classified as Pathogenic.

Mayo Clinic Laboratories, Mayo Clinic
Classification: Pathogenic. Last evaluated: 2025-05-06. Review status: criteria provided, single submitter. Criteria: ACMG Guidelines, 2015. Collection method: clinical testing. Allele origin: germline. Observed: 1 variant allele.
Comment: PP4, PM2_supporting, PM3_very_strong

First Genomix Gene Laboratory, Genetic Diagnostics Department
Classification: Pathogenic for Glycogen storage disease type III. Last evaluated: 2025-04-30. Review status: criteria provided, single submitter. Criteria: ACMG Guidelines, 2015. Collection method: clinical testing. Allele origin: germline. Inheritance: Autosomal recessive inheritance. Affected: no. Observed: 1 variant allele.

Natera, Inc.
Classification: Likely pathogenic for Glycogen storage disease type III. Last evaluated: 2025-04-28. Review status: criteria provided, single submitter. Criteria: Natera Variant Classification Schema (03/2026). Collection method: clinical testing. Allele origin: germline.
Comment: The c.1078C>T variant in AGL is a missense variant predicted to cause substitution of histidine to tyrosine at amino acid 360. This variant is rare in the general population with a frequency below the threshold expected for the associated phenotype(s). This variant has been observed in one or more individuals affected with the associated recessive disease, as either homozygous or compound heterozygous with a second variant (PMID: 33083013, 27460348). Given the available evidence, this variant is classified as Likely Pathogenic.

Revvity Omics, Revvity
Classification: Likely pathogenic for Glycogen storage disease type III. Last evaluated: 2024-08-02. Review status: criteria provided, single submitter. Criteria: ACMG Guidelines, 2015. Collection method: clinical testing. Allele origin: germline.

Illumina Laboratory Services, Illumina
Classification: Likely pathogenic for Glycogen storage disease type III. Last evaluated: 2024-02-14. Review status: criteria provided, single submitter. Criteria: ICSLVariantClassificationCriteria RUGD 01 April 2020. Collection method: clinical testing. Allele origin: unknown.
Comment: The AGL c.1078C>T p.(His360Tyr) has been identified in a homozygous state and in trans with a pathogenic variant in individuals with a phenotype consistent with glycogen storage disease type III (PMID: 25388549). This variant is not observed at a significant frequency in version 2.1.1 or version 4.0.0 of the Genome Aggregation Database. This variant has been classified as pathogenic by at least three submitters in ClinVar. Based on the available evidence, the c.1078C>T p.(His360Tyr) variant is classified as likely pathogenic for glycogen storage disease type III.

Baylor Genetics
Classification: Pathogenic for Glycogen storage disease type III. Last evaluated: 2024-01-23. Review status: criteria provided, single submitter. Criteria: ACMG Guidelines, 2015. Collection method: clinical testing. Allele origin: unknown.

Blueprint Genetics
Classification: Likely pathogenic for AGL-related disorders. Last evaluated: 2023-11-30. Review status: criteria provided, single submitter. Criteria: ACMG Guidelines, 2015. Collection method: clinical testing. Allele origin: germline. Affected: yes. Observed: 5 variant alleles.

Neuberg Centre For Genomic Medicine, NCGM
Classification: Likely pathogenic for Glycogen storage disease type III. Last evaluated: 2023-05-20. Review status: criteria provided, single submitter. Criteria: ACMG Guidelines, 2015. Collection method: clinical testing. Allele origin: germline. Inheritance: Autosomal recessive inheritance. Affected: yes.
Comment: The missense variant c.1078C>T (p.His360Tyr) in the AGL gene has been reported previously in compound heterozygous and homozygous states in individuals affected with glycogen storage disease type III (Decostre et al., 2016; Michon et al., 2015). This variant is reported with the allele frequency (0.001%) in the gnomAD Exomes. It is submitted to ClinVar with varying interpretations as Pathogenic/ Likely Pathogenic. However, experimental studies on the pathogenicity of the variant are not available. The amino acid Histidine at position 360 is changed to a Tyrosine changing protein sequence and it might alter its composition and physico-chemical properties. Computational evidence (Polyphen, SIFT and MutationTaster) predicts conflicting evidence on protein structure and function for this variant. The amino acid change p.His360Tyr in AGL is predicted as conserved by GERP++ and PhyloP across 100 vertebrates. For these reasons, this variant has been classified as Likely Pathogenic.

3billion
Classification: Likely pathogenic for Glycogen storage disease type III. Last evaluated: 2022-09-01. Review status: criteria provided, single submitter. Criteria: ACMG Guidelines, 2015. Collection method: clinical testing. Allele origin: germline. Affected: yes. Observed: 1 homozygote.
Comment: The variant is observed at an extremely low frequency in the gnomAD v2.1.1 dataset (total allele frequency: 0.002%). While this variant results in missense change, protein truncation variants are a common disease-causing mechanism. Same nucleotide change resulting in same amino acid change has been previously reported to be associated with AGL-related disorder (ClinVar ID: VCV000371296 / PMID: 25388549). The variant has been observed in multiple (>3) similarly affected unrelated individuals (PMID: 25388549 / 3billion dataset). The variant has been reported to be in trans with a pathogenic variant as either compound heterozygous or homozygous in at least one similarly affected unrelated individual (PMID: 25388549 / 3billion dataset). Therefore, this variant is classified as Likely pathogenic according to the recommendation of ACMG/AMP guideline.

Fulgent Genetics
Classification: Likely pathogenic for Glycogen storage disease type III. Last evaluated: 2021-11-23. Review status: criteria provided, single submitter. Criteria: ACMG Guidelines, 2015. Collection method: clinical testing. Allele origin: unknown.

Genome-Nilou Lab
Classification: Pathogenic for Glycogen storage disease type III. Last evaluated: 2021-07-15. Review status: criteria provided, single submitter. Criteria: ACMG Guidelines, 2015. Collection method: clinical testing. Allele origin: germline. Affected: no.

CeGaT Center for Human Genetics Tuebingen
Classification: Pathogenic. Last evaluated: 2018-11-01. Review status: criteria provided, single submitter. Criteria: CeGaT Center For Human Genetics Tuebingen Variant Classification Criteria Version 2. Collection method: clinical testing. Allele origin: germline. Affected: yes. Observed: 1 variant allele.

Centre for Human Genetics
Classification: Pathogenic for Glycogen storage disease type III. Last evaluated: 2017-10-05. Review status: criteria provided, single submitter. Criteria: ACMG Guidelines, 2015. Collection method: clinical testing. Allele origin: inherited. Inheritance: Autosomal recessive inheritance. Affected: yes. Observed: 2 variant alleles.
Comment: disease causing

CENTOGENE GmbH and LLC - Guiding Precision Medicine
Classification: Pathogenic for Glycogen storage disease type III. Review status: criteria provided, single submitter. Criteria: ACMG Guidelines, 2015. Collection method: clinical testing. Allele origin: germline. Affected: yes.

Counsyl
Classification: Likely pathogenic for Glycogen storage disease type III. Last evaluated: 2018-03-30. Review status: no assertion criteria provided. Collection method: clinical testing. Allele origin: unknown. Not counted in ClinVar's aggregate classification.

Literature cited by the submitters: PubMed 27460348 (cited by 4 submitters); PubMed 25388549 (cited by 3 submitters); PubMed 28888851 (cited by Mayo Clinic Laboratories, Mayo Clinic); PubMed 35199448 (cited by Mayo Clinic Laboratories, Mayo Clinic); PubMed 35834487 (cited by Mayo Clinic Laboratories, Mayo Clinic); PubMed 33083013 (cited by Natera, Inc.).